The following is an entry in ClinVar:

ClinVar aggregate classification (germline): Uncertain significance (1 of 4 stars; one submission).

gnomAD v4.1: 3 of 1,611,548 alleles (0.00019%); highest among the groups gnomAD compares: South Asian, 0.0011%; no homozygotes.

Submission:

GeneDx
Classification: Uncertain significance. Last evaluated: 2026-02-20. Review status: criteria provided, single submitter. Criteria: GeneDx Variant Classification Process June 2021. Collection method: clinical testing. Allele origin: germline.
Comment: Not observed at significant frequency in large population cohorts (gnomAD); In silico analysis suggests that this missense variant does not alter protein structure/function; Has not been previously published as pathogenic or benign to our knowledge; Reported using an alternate transcript of the gene

NM_000238.4(KCNH2):c.2398+52G>A

Gene: KCNH2 (potassium voltage-gated channel subfamily H member 2; minus strand). Cytogenetic location: 7q36.1.
Variant type: single nucleotide variant.
Coding change: c.2398+52G>A on transcript NM_000238.4 (MANE Select); 52 bases into the intron after coding-DNA position 2398, G replaced by A.
Molecular consequence: intron variant. On other transcripts: missense variant (5).
Genome position (GRCh38, 1-based): chr7:150,950,116, C>T on the plus strand (G>A on the coding strand, the complement: KCNH2 is on the minus strand). VCF-style: chr7-150950116-C-T. GRCh37 (hg19) VCF-style: chr7-150647204-C-T.
Other names: c.1430G>A, p.Arg477Lys (NM_001204798.2); c.2273G>A, p.Arg758Lys (NM_001406755.1); c.2162G>A, p.Arg721Lys (NM_001406756.1); c.2150G>A, p.Arg717Lys (NM_001406757.1); c.2450G>A, p.Arg817Lys (NM_172056.3); c.2110+52G>A (NM_001406753.1); c.1378+52G>A (NM_172057.3); short protein forms R477K, R717K, R721K, R758K, R817K.
Identifiers: ClinVar variation 4887944 (VCV004887944.1).